The following is an entry in ClinVar:

NM_145868.2(ANXA11):c.1086+2T>C

Gene: ANXA11 (annexin A11; minus strand). Cytogenetic location: 10q22.3.
Variant type: single nucleotide variant.
Coding change: c.1086+2T>C on transcript NM_145868.2 (MANE Select); the canonical splice donor site of the intron after coding-DNA position 1086, T replaced by C.
Molecular consequence: splice donor variant.
Genome position (GRCh38, 1-based): chr10:80,163,347, A>G on the plus strand (T>C on the coding strand, the complement: ANXA11 is on the minus strand). VCF-style: chr10-80163347-A-G. GRCh37 (hg19) VCF-style: chr10-81923103-A-G.
Other names: c.1086+2T>C (NM_001278407.2, NM_001157.3, NM_145869.2 and 1 more transcripts); c.987+2T>C (NM_001278409.2).
Identifiers: ClinVar variation 3685233 (VCV003685233.2).
Genomic context (GRCh38, chr10:80,163,347, plus strand): 5'-AAGCAAGAAAGCGGGGTGCATCCCTGCTTTAGGAAGTCCAGGGGCTTGGCCATCACACTC[A>G]CCTGGGCATCTCTCTGGGCGAGTGACATGTCCACGTTTGTGCTTTCATCACGGTTTCCCT-3'

ClinVar aggregate classification (germline): Uncertain significance (1 of 4 stars; one submission).

gnomAD v4.1: 10 of 1,612,964 alleles (0.00062%); highest among the groups gnomAD compares: Middle Eastern, 0.019%; no homozygotes.

Submission:

Labcorp Genetics (formerly Invitae), Labcorp
Classification: Uncertain significance. Last evaluated: 2024-09-19. Review status: criteria provided, single submitter. Criteria: Invitae Variant Classification Sherloc (09022015). Collection method: clinical testing. Allele origin: germline.
Comment: This sequence change affects a donor splice site in intron 10 of the ANXA11 gene. It is expected to disrupt RNA splicing. Variants that disrupt the donor or acceptor splice site typically lead to a loss of protein function (PMID: 16199547), however the current clinical and genetic evidence is not sufficient to establish whether loss-of-function variants in ANXA11 cause disease. This variant is present in population databases (rs758902676, gnomAD 0.002%). This variant has not been reported in the literature in individuals affected with ANXA11-related conditions. Algorithms developed to predict the effect of sequence changes on RNA splicing suggest that this variant may disrupt the consensus splice site. In summary, the available evidence is currently insufficient to determine the role of this variant in disease. Therefore, it has been classified as a Variant of Uncertain Significance.

Literature cited by the submitters: PubMed 16199547.